The following is an entry in ClinVar:

ClinVar aggregate classification (germline): Pathogenic/Likely pathogenic. Review status: criteria provided, multiple submitters, no conflicts (2 of 4 stars). 2 submissions from 2 submitters: Pathogenic (1); Likely pathogenic (1). Last evaluated 2025-03-07.

Conditions:
Nemaline myopathy 2 (NEM2). Also called: Nemaline myopathy 2, autosomal recessive. Identifiers: MedGen C1850569, MONDO:0009725, OMIM 256030.
Nemaline myopathy. Also called: Myopathies, Nemaline. Identifiers: Orphanet 607, MedGen C0206157, MONDO:0018958.

Allele frequency attached by ClinVar (database versions not stated): gnomAD exomes below 0.00001; TOPMed below 0.00001.
gnomAD v4.1: 3 of 1,587,400 alleles (0.00019%); highest among the groups gnomAD compares: East Asian, 0.0023%; no homozygotes.

Submissions (2):

Broad Center for Mendelian Genomics, Broad Institute of MIT and Harvard
Classification: Likely pathogenic for Nemaline myopathy. Last evaluated: 2025-03-07. Review status: criteria provided, single submitter. Criteria: ACMG Guidelines, 2015. Collection method: curation. Allele origin: germline. Inheritance: Autosomal recessive inheritance.
Comment: The p.Gln6334Ter variant in NEB has not been previously reported in the literature in individuals with nemaline myopathy, but has been identified in 0.002% (1/44184) of East Asian by the Genome Aggregation Database (gnomAD; dbSNP ID: rs1321469218). Although this variant has been seen in the general population in a heterozygous state, its frequency is low enough to be consistent with a recessive carrier frequency. This variant has also been reported in ClinVar (Variation ID: 2067693) and has been interpreted as pathogenic by Invitae. This nonsense variant leads to a premature termination codon at position 6334, which is predicted to lead to a truncated or absent protein. Loss of function of the NEB gene is an established disease mechanism in autosomal recessive nemaline myopathy. In summary, although additional studies are required to fully establish its clinical significance, this variant is likely pathogenic for autosomal recessive nemaline myopathy. ACMG/AMP Criteria applied: PVS1, PM2_supporting (Richards 2015).

Labcorp Genetics (formerly Invitae), Labcorp
Classification: Pathogenic for Nemaline myopathy 2. Last evaluated: 2021-12-31. Review status: criteria provided, single submitter. Criteria: Invitae Variant Classification Sherloc (09022015). Collection method: clinical testing. Allele origin: germline.
Comment: This sequence change creates a premature translational stop signal (p.Gln6334*) in the NEB gene. It is expected to result in an absent or disrupted protein product. Loss-of-function variants in NEB are known to be pathogenic (PMID: 25205138). For these reasons, this variant has been classified as Pathogenic. This variant has not been reported in the literature in individuals affected with NEB-related conditions. The frequency data for this variant in the population databases is considered unreliable, as metrics indicate poor data quality at this position in the gnomAD database.

Literature cited by the submitters: PubMed 25205138 (cited by Labcorp Genetics (formerly Invitae), Labcorp).

NM_001164508.2(NEB):c.19000C>T (p.Gln6334Ter)

Gene: NEB (nebulin; minus strand). Cytogenetic location: 2q23.3.
Variant type: single nucleotide variant.
Coding change: c.19000C>T on transcript NM_001164508.2 (MANE Select); coding-DNA position 19000, C replaced by T.
Protein change: p.Gln6334Ter; replaces glutamine 6334 with a stop codon.
Molecular consequence: nonsense.
Genome position (GRCh38, 1-based): chr2:151,561,309, G>A on the plus strand (C>T on the coding strand, the complement: NEB is on the minus strand). VCF-style: chr2-151561309-G-A. GRCh37 (hg19) VCF-style: chr2-152417823-G-A.
Other names: NM_001164508.2(NEB):c.19000C>T; p.Gln6334Ter; c.19000C>T, p.Gln6334Ter (NM_001164507.2, NM_001271208.2); c.13897C>T, p.Gln4633Ter (NM_004543.5); short protein forms Q6334*, Q4633*.
Identifiers: ClinVar variation 2067693 (VCV002067693.5), dbSNP rs1321469218, ClinGen allele CA348795722.